The following is an entry in ClinVar:

ClinVar aggregate classification (germline): Pathogenic (1 of 4 stars; one submission).

Conditions:
TWIST1-related craniosynostosis (CRS1). Also called: CRANIOSYNOSTOSIS 1. Identifiers: Orphanet 63440, MedGen C4551902, MONDO:0007399, OMIM 123100. Inheritance: Heterogenous inheritance pattern.
Saethre-Chotzen syndrome (SCS). Also called: CHOTZEN SYNDROME; ACROCEPHALY, SKULL ASYMMETRY, AND MILD SYNDACTYLY; ACS III. Identifiers: Orphanet 794, MedGen C0175699, MONDO:0007042, OMIM 101400.

Allele frequency attached by ClinVar (database versions not stated): gnomAD exomes below 0.00001.

Submission:

Labcorp Genetics (formerly Invitae), Labcorp
Classification: Pathogenic for TWIST1-related craniosynostosis; Saethre-Chotzen syndrome. Last evaluated: 2021-08-15. Review status: criteria provided, single submitter. Criteria: Invitae Variant Classification Sherloc (09022015). Collection method: clinical testing. Allele origin: germline.
Comment: For these reasons, this variant has been classified as Pathogenic. Algorithms developed to predict the effect of sequence changes on RNA splicing suggest that this variant may create or strengthen a splice site. This variant has not been reported in the literature in individuals affected with TWIST1-related conditions. This variant is not present in population databases (ExAC no frequency). This sequence change creates a premature translational stop signal (p.Glu117*) in the TWIST1 gene. It is expected to result in an absent or disrupted protein product. Loss-of-function variants in TWIST1 are known to be pathogenic (PMID: 10749989).

Literature cited by the submitters: PubMed 10749989.

NM_000474.4(TWIST1):c.349G>T (p.Glu117Ter)

Gene: TWIST1 (twist family bHLH transcription factor 1; minus strand). Cytogenetic location: 7p21.1.
Variant type: single nucleotide variant.
Coding change: c.349G>T on transcript NM_000474.4 (MANE Select); coding-DNA position 349, G replaced by T.
Protein change: p.Glu117Ter; replaces glutamic acid 117 with a stop codon.
Molecular consequence: nonsense. On other transcripts: non-coding transcript variant (1).
Genome position (GRCh38, 1-based): chr7:19,116,973, C>A on the plus strand (G>T on the coding strand, the complement: TWIST1 is on the minus strand). VCF-style: chr7-19116973-C-A. GRCh37 (hg19) VCF-style: chr7-19156596-C-A.
Other names: short protein forms E117*.
Identifiers: ClinVar variation 1418275 (VCV001418275.6), dbSNP rs2115396763, ClinGen allele CA367015628.